The following is an entry in ClinVar:

ClinVar aggregate classification (germline): Uncertain significance (1 of 4 stars; one submission).

Conditions:
Familial adenomatous polyposis 1 (FAP1). Also called: FAMILIAL ADENOMATOUS POLYPOSIS 1, ATTENUATED; POLYPOSIS, ADENOMATOUS INTESTINAL. Identifiers: MedGen C2713442, MONDO:0021056, OMIM 175100. Disease mechanism: loss of function.

Submission:

Labcorp Genetics (formerly Invitae), Labcorp
Classification: Uncertain significance for Familial adenomatous polyposis 1. Last evaluated: 2021-05-25. Review status: criteria provided, single submitter. Criteria: Invitae Variant Classification Sherloc (09022015). Collection method: clinical testing. Allele origin: germline.
Comment: In summary, the available evidence is currently insufficient to determine the role of this variant in disease. Therefore, it has been classified as a Variant of Uncertain Significance. Algorithms developed to predict the effect of missense changes on protein structure and function (SIFT, PolyPhen-2, Align-GVGD) all suggest that this variant is likely to be tolerated, but these predictions have not been confirmed by published functional studies and their clinical significance is uncertain. This variant has not been reported in the literature in individuals with APC-related conditions. This variant is not present in population databases (ExAC no frequency). This sequence change replaces alanine with valine at codon 1299 of the APC protein (p.Ala1299Val). The alanine residue is moderately conserved and there is a small physicochemical difference between alanine and valine.

NM_000038.6(APC):c.3896C>T (p.Ala1299Val)

Gene: APC (APC regulator of Wnt signaling pathway; plus strand). Cytogenetic location: 5q22.2.
Variant type: single nucleotide variant.
Coding change: c.3896C>T on transcript NM_000038.6 (MANE Select); coding-DNA position 3896, C replaced by T.
Protein change: p.Ala1299Val; replaces alanine 1299 with valine.
Molecular consequence: missense variant.
Genome position (GRCh38, 1-based): chr5:112,839,490, C>T. VCF-style: chr5-112839490-C-T. GRCh37 (hg19) VCF-style: chr5-112175187-C-T.
Other names: c.3896C>T, p.Ala1299Val (NM_001127510.3, NM_001354895.2); c.3842C>T, p.Ala1281Val (NM_001127511.3); c.3950C>T, p.Ala1317Val (NM_001354896.2); c.3926C>T, p.Ala1309Val (NM_001354897.2); c.3821C>T, p.Ala1274Val (NM_001354898.2); c.3812C>T, p.Ala1271Val (NM_001354899.2); c.3773C>T, p.Ala1258Val (NM_001354900.2); c.3719C>T, p.Ala1240Val (NM_001354901.2); and 5 more; short protein forms A1198V, A1258V, A1309V, A1173V, A1208V, A1317V, A1016V, A1281V.
Identifiers: ClinVar variation 841973 (VCV000841973.11), dbSNP rs1765547764, ClinGen allele CA16029885.
Genomic context (GRCh38, chr5:112,839,490, plus strand): 5'-CTTTGTCATCAGCTGAAGATGAAATAGGATGTAATCAGACGACACAGGAAGCAGATTCTG[C>T]TAATACCCTGCAAATAGCAGAAATAAAAGAAAAGATTGGAACTAGGTCAGCTGAAGATCC-3'
Protein context (NP_000029.2, residues 1289-1309): CNQTTQEADS[Ala1299Val]NTLQIAEIKE